The following is an entry in ClinVar:

NC_012920.1(MT-CO3):m.9972A>G

Gene: MT-CO3 (mitochondrially encoded cytochrome c oxidase III; plus strand).
Variant type: single nucleotide variant.
Genome position: chrM-9972-A-G.
Identifiers: ClinVar variation 693255 (VCV000693255.1), dbSNP rs1603222600, ClinGen allele CA414804130.

ClinVar aggregate classification (germline): Likely benign (1 of 4 stars; one submission).

Conditions:
Leigh syndrome (NULS). Also called: Leigh's necrotizing encephalopathy; Leigh's disease; Leigh Syndrome (mtDNA deletion); Leigh Disease; Subacute necrotizing encephalopathy; Necrotizing encephalopathy infantile subacute of Leigh. Identifiers: Orphanet 506, MedGen C2931891, MONDO:0009723, OMIM 256000.

Submission:

Wong Mito Lab, Molecular and Human Genetics, Baylor College of Medicine
Classification: Likely benign for Leigh syndrome. Last evaluated: 2019-10-17. Review status: criteria provided, single submitter. Criteria: Modified ACMG Guidelines (Unpublished). Collection method: clinical testing. Allele origin: germline.
Comment: The NC_012920.1:m.9972A>G (YP_003024032.1:p.Ile256Val) variant in MTCO3 gene is interpretated to be a Likely Benign variant based on the modified ACMG guidelines (unpublished). This variant meets the following evidence codes: BS1, BP4